The following is an entry in ClinVar:

NM_000390.4(CHM):c.1828A>G (p.Asn610Asp)

Gene: CHM (CHM Rab escort protein; minus strand). Cytogenetic location: Xq21.2.
Variant type: single nucleotide variant.
Coding change: c.1828A>G on transcript NM_000390.4 (MANE Select); coding-DNA position 1828, A replaced by G.
Protein change: p.Asn610Asp; replaces asparagine 610 with aspartic acid.
Molecular consequence: missense variant.
Genome position (GRCh38, 1-based): chrX:85,864,764, T>C on the plus strand (A>G on the coding strand, the complement: CHM is on the minus strand). VCF-style: chrX-85864764-T-C. GRCh37 (hg19) VCF-style: chrX-85119769-T-C.
Other names: c.1384A>G, p.Asn462Asp (NM_001320959.1, NM_001362517.1, NM_001362518.2 and 1 more transcripts); short protein forms N610D, N462D.
Identifiers: ClinVar variation 2141614 (VCV002141614.7), dbSNP rs754851069, ClinGen allele CA10465295.

ClinVar aggregate classification (germline): Uncertain significance. Review status: criteria provided, multiple submitters, no conflicts (2 of 4 stars). 3 submissions from 3 submitters: Uncertain significance (3). Last evaluated 2026-08-05.

Conditions:
Inborn genetic diseases. Identifiers: MedGen C0950123, MeSH D030342.

Allele frequency attached by ClinVar (database versions not stated): TOPMed 0.00003; ExAC 0.00001; gnomAD exomes below 0.00001; gnomAD 0.00003.
gnomAD v4.1: 12 of 1,207,451 alleles (0.00099%); highest among the groups gnomAD compares: Middle Eastern, 0.023%; no homozygotes.

Submissions (3):

Ambry Genetics
Classification: Uncertain significance for Inborn genetic diseases. Last evaluated: 2026-08-05. Review status: criteria provided, single submitter. Criteria: Ambry Variant Classification Scheme 2023. Collection method: clinical testing. Allele origin: germline.
Comment: The c.1828A>G (p.N610D) alteration is located in exon 15 (coding exon 15) of the CHM gene. This alteration results from a A to G substitution at nucleotide position 1828, causing the asparagine (N) at amino acid position 610 to be replaced by an aspartic acid (D). Based on data from gnomAD, the G allele has an overall frequency of 0.002% (3/198308) total alleles studied. The highest observed frequency was 0.011% (2/18790) of African alleles. Based on insufficient or conflicting evidence, the clinical significance of this alteration remains unclear.

Blueprint Genetics
Classification: Uncertain significance. Last evaluated: 2024-07-16. Review status: criteria provided, single submitter. Criteria: ACMG Guidelines, 2015. Collection method: clinical testing. Allele origin: germline.

Labcorp Genetics (formerly Invitae), Labcorp
Classification: Uncertain significance. Last evaluated: 2024-04-06. Review status: criteria provided, single submitter. Criteria: Invitae Variant Classification Sherloc (09022015). Collection method: clinical testing. Allele origin: germline.
Comment: This sequence change replaces asparagine, which is neutral and polar, with aspartic acid, which is acidic and polar, at codon 610 of the CHM protein (p.Asn610Asp). This variant is present in population databases (rs754851069, gnomAD 0.01%). This variant has not been reported in the literature in individuals affected with CHM-related conditions. ClinVar contains an entry for this variant (Variation ID: 2141614). Advanced modeling of protein sequence and biophysical properties (such as structural, functional, and spatial information, amino acid conservation, physicochemical variation, residue mobility, and thermodynamic stability) performed at Invitae indicates that this missense variant is not expected to disrupt CHM protein function with a negative predictive value of 80%. Algorithms developed to predict the effect of sequence changes on RNA splicing suggest that this variant may create or strengthen a splice site. In summary, the available evidence is currently insufficient to determine the role of this variant in disease. Therefore, it has been classified as a Variant of Uncertain Significance.